The following is an entry in ClinVar:

NM_000128.4(F11):c.929C>A (p.Ala310Asp)

Gene: F11 (coagulation factor XI; plus strand). Cytogenetic location: 4q35.2.
Variant type: single nucleotide variant.
Coding change: c.929C>A on transcript NM_000128.4 (MANE Select); coding-DNA position 929, C replaced by A.
Protein change: p.Ala310Asp; replaces alanine 310 with aspartic acid.
Molecular consequence: missense variant.
Genome position (GRCh38, 1-based): chr4:186,280,286, C>A. VCF-style: chr4-186280286-C-A. GRCh37 (hg19) VCF-style: chr4-187201440-C-A.
Other names: c.611C>A, p.Ala204Asp (NM_001440606.1, NM_001440608.1); c.659C>A, p.Ala220Asp (NM_001440607.1, NM_001440605.1); c.881C>A, p.Ala294Asp (NM_001440590.1, NM_001440596.1); c.929C>A, p.Ala310Asp (NM_001440593.1); short protein forms A204D, A220D, A294D, A310D.
Identifiers: ClinVar variation 4855101 (VCV004855101.1).
Genomic context (GRCh38, chr4:186,280,286, plus strand): 5'-TCTGCCATTCTTCATTTTACCATGACACTGATTTCTTGGGAGAAGAACTGGATATTGTTG[C>A]TGCAAAAAGTCACGAGGCCTGCCAGAAACTGTGCACCAATGCCGTCCGCTGCCAGTTTTT-3'
Protein context (NP_000119.1, residues 300-320): DFLGEELDIV[Ala310Asp]AKSHEACQKL

ClinVar aggregate classification (germline): Uncertain significance (1 of 4 stars; one submission).

Conditions:
Hereditary factor XI deficiency disease. Also called: Congenital factor XI deficiency; PLASMA THROMBOPLASTIN ANTECEDENT DEFICIENCY; PTA DEFICIENCY; ROSENTHAL SYNDROME. Identifiers: Orphanet 329, MedGen C0015523, MeSH D005173, MONDO:0012897, OMIM 612416.

Submission:

3billion
Classification: Uncertain significance for Hereditary factor XI deficiency disease. Last evaluated: 2025-05-13. Review status: criteria provided, single submitter. Criteria: ACMG Guidelines, 2015. Collection method: clinical testing. Allele origin: germline. Affected: yes.
Comment: The variant is not observed in the gnomAD v4.1.0 dataset. Predicted Consequence/Location: Missense variant Damaging effect on gene or gene product predicted by in silico programs is uncertain [REVEL: 0.25 (damaging >=0.6, benign <0.4), 3Cnet: 0.53 (damaging >0.75, benign <0.1)]. Therefore, this variant is classified as VUS according to the recommendation of ACMG/AMP guideline.